The following is an entry in ClinVar:

NM_016219.5(MAN1B1):c.247C>T (p.Arg83Trp)

Gene: MAN1B1 (mannosidase alpha class 1B member 1; plus strand). Cytogenetic location: 9q34.3.
Variant type: single nucleotide variant.
Coding change: c.247C>T on transcript NM_016219.5 (MANE Select); coding-DNA position 247, C replaced by T.
Protein change: p.Arg83Trp; replaces arginine 83 with tryptophan.
Molecular consequence: missense variant. On other transcripts: non-coding transcript variant (2).
Genome position (GRCh38, 1-based): chr9:137,088,102, C>T. VCF-style: chr9-137088102-C-T. GRCh37 (hg19) VCF-style: chr9-139982554-C-T.
Other names: c.139C>T, p.Arg47Trp (NM_007230.1); short protein forms R47W, R83W.
Identifiers: ClinVar variation 1791889 (VCV001791889.6), dbSNP rs2538297265, ClinGen allele CA375672419.

ClinVar aggregate classification (germline): Uncertain significance. Review status: criteria provided, multiple submitters, no conflicts (2 of 4 stars). 2 submissions from 2 submitters: Uncertain significance (2). Last evaluated 2024-02-23.

Conditions:
Inborn genetic diseases. Identifiers: MedGen C0950123, MeSH D030342.
Rafiq syndrome (RAFQS). Identifiers: Orphanet 88616, MedGen C3280127, MONDO:0013624, OMIM 614202.

Allele frequency attached by ClinVar (database versions not stated): gnomAD exomes 0.00001.

Submissions (2):

Labcorp Genetics (formerly Invitae), Labcorp
Classification: Uncertain significance for Rafiq syndrome. Last evaluated: 2024-02-23. Review status: criteria provided, single submitter. Criteria: Invitae Variant Classification Sherloc (09022015). Collection method: clinical testing. Allele origin: germline.
Comment: This sequence change replaces arginine, which is basic and polar, with tryptophan, which is neutral and slightly polar, at codon 83 of the MAN1B1 protein (p.Arg83Trp). This variant is not present in population databases (gnomAD no frequency). This variant has not been reported in the literature in individuals affected with MAN1B1-related conditions. ClinVar contains an entry for this variant (Variation ID: 1791889). An algorithm developed to predict the effect of missense changes on protein structure and function (PolyPhen-2) suggests that this variant is likely to be disruptive. In summary, the available evidence is currently insufficient to determine the role of this variant in disease. Therefore, it has been classified as a Variant of Uncertain Significance.

Ambry Genetics
Classification: Uncertain significance for Inborn genetic diseases. Last evaluated: 2020-02-03. Review status: criteria provided, single submitter. Criteria: Ambry Variant Classification Scheme 2023. Collection method: clinical testing. Allele origin: germline.
Comment: The p.R83W variant (also known as c.247C>T), located in coding exon 2 of the MAN1B1 gene, results from a C to T substitution at nucleotide position 247. The arginine at codon 83 is replaced by tryptophan, an amino acid with dissimilar properties. This amino acid position is highly conserved in available vertebrate species. In addition, this alteration is predicted to be tolerated by in silico analysis. Since supporting evidence is limited at this time, the clinical significance of this alteration remains unclear.